The following is an entry in ClinVar:

ClinVar aggregate classification (germline): Conflicting classifications of pathogenicity. Review status: criteria provided, conflicting classifications (1 of 4 stars). 4 submissions from 4 submitters: Likely pathogenic (1); Uncertain significance (1). 2 of the submissions do not count toward it. Last evaluated 2024-04-02.

Conditions:
Congenital myasthenic syndrome 13 (CMS13). Also called: Myasthenic syndrome, congenital, with tubular aggregates 2; Myasthenic syndrome, congenital, 13, with tubular aggregates. Identifiers: Orphanet 353327, Orphanet 590, MedGen C3553645, MONDO:0013883, OMIM 614750.
DPAGT1-congenital disorder of glycosylation. Also called: CONGENITAL DISORDER OF GLYCOSYLATION, TYPE Ij; DPAGT1-CDG; CDG Ij. Identifiers: Orphanet 86309, MedGen C2931004, MONDO:0011964, OMIM 608093.
Congenital disorder of glycosylation (CDG). Also called: Congenital disorders of glycosylation; Carbohydrate-deficient glycoprotein syndrome. Identifiers: Orphanet 137, MedGen C0282577, MONDO:0015286.

Allele frequency attached by ClinVar (database versions not stated): ExAC 0.00001; gnomAD exomes 0.00001 and 0.00002; gnomAD 0.00002 and 0.00003; TOPMed 0.00002; 1000 Genomes Project 30x 0.00016; 1000 Genomes Project 0.00020.
gnomAD v4.1: 32 of 1,614,044 alleles (0.002%); highest among the groups gnomAD compares: Non-Finnish European, 0.0023%; no homozygotes.

Submissions (4):

GeneDx
Classification: Likely pathogenic. Last evaluated: 2024-04-02. Review status: criteria provided, single submitter. Criteria: GeneDx Variant Classification Process June 2021. Collection method: clinical testing. Allele origin: germline. Affected: yes.
Comment: Identified in trans with another DPAGT1 missense variant, p.A195G, in two siblings with abnormal neurological findings, with one sibling reported to have abnormal transferrin studies consistent with a type 1 congenital disorder of glycosylation (PMID: 26805780, 30117111); Identified in a patient with congenital disorder of glycosylation type 1j who reportedly harbored a second unknown variant in trans which resulted in decreased mRNA levels (PMID: 12872255); Published functional studies demonstrate a damaging effect: reduced N-acetyl-glucosamine-1 phosphate transferase (GPT) activity in in vitro assays (PMID: 12872255); Not observed at significant frequency in large population cohorts (gnomAD); Missense variants in this gene are often considered pathogenic (HGMD); In silico analysis supports that this missense variant has a deleterious effect on protein structure/function; This variant is associated with the following publications: (PMID: 23249953, 22304930, 22742743, 30388443, 31519321, 26805780, 30117111, 12872255)

Labcorp Genetics (formerly Invitae), Labcorp
Classification: Uncertain significance for Congenital myasthenic syndrome 13; DPAGT1-congenital disorder of glycosylation. Last evaluated: 2022-08-15. Review status: criteria provided, single submitter. Criteria: Invitae Variant Classification Sherloc (09022015). Collection method: clinical testing. Allele origin: germline.
Comment: This variant is present in population databases (rs28934876, gnomAD 0.004%). This sequence change replaces tyrosine, which is neutral and polar, with cysteine, which is neutral and slightly polar, at codon 170 of the DPAGT1 protein (p.Tyr170Cys). In summary, the available evidence is currently insufficient to determine the role of this variant in disease. Therefore, it has been classified as a Variant of Uncertain Significance. Experimental studies have shown that this missense change affects DPAGT1 function (PMID: 12872255). Algorithms developed to predict the effect of missense changes on protein structure and function are either unavailable or do not agree on the potential impact of this missense change (SIFT: "Deleterious"; PolyPhen-2: "Probably Damaging"; Align-GVGD: "Class C0"). ClinVar contains an entry for this variant (Variation ID: 12296). This variant is also known as c.660A>G. This missense change has been observed in individual(s) with congenital disorder of glycosylation 1J (CDG-Ij) (PMID: 12872255, 30117111).

OMIM
Classification: Pathogenic for CONGENITAL DISORDER OF GLYCOSYLATION, TYPE Ij. Last evaluated: 2003-08-01. Review status: no assertion criteria provided. Collection method: literature only. Allele origin: germline. Not counted in ClinVar's aggregate classification.

University of Washington Center for Mendelian Genomics, University of Washington
Classification: Likely pathogenic for congenital disorder of glycosylation. Review status: no assertion criteria provided. Collection method: research. Allele origin: inherited. Affected: yes. Not counted in ClinVar's aggregate classification.

Literature cited by the submitters: PubMed 12872255 (cited by Labcorp Genetics (formerly Invitae), Labcorp and OMIM); PubMed 30117111 (cited by Labcorp Genetics (formerly Invitae), Labcorp and University of Washington Center for Mendelian Genomics, University of Washington).

NM_001382.4(DPAGT1):c.509A>G (p.Tyr170Cys)

Gene: DPAGT1 (dolichyl-phosphate N-acetylglucosaminephosphotransferase 1; minus strand). Cytogenetic location: 11q23.3.
Variant type: single nucleotide variant.
Coding change: c.509A>G on transcript NM_001382.4 (MANE Select); coding-DNA position 509, A replaced by G.
Protein change: p.Tyr170Cys; replaces tyrosine 170 with cysteine.
Molecular consequence: missense variant.
Genome position (GRCh38, 1-based): chr11:119,100,396, T>C on the plus strand (A>G on the coding strand, the complement: DPAGT1 is on the minus strand). VCF-style: chr11-119100396-T-C. GRCh37 (hg19) VCF-style: chr11-118971106-T-C.
Other names: short protein forms Y170C.
Identifiers: ClinVar variation 12296 (VCV000012296.15), dbSNP rs28934876, ClinGen allele CA256258.
Genomic context (GRCh38, chr11:119,100,396, plus strand): 5'-ATTCCTGCTAGGATATTGATGGCATTGGTACAGAACACTGCCAGCAGCCCCATGTAGACA[T>C]AGTACAGGATTCCTGCGGGGAGAGATGGTAGGAAAAGAAGTAGTGCCACCTAGGGGAGGA-3'
Protein context (NP_001373.2, residues 160-180): GLHLDLGILY[Tyr170Cys]VYMGLLAVFC